The following is an entry in ClinVar:

ClinVar aggregate classification (germline): Uncertain significance (1 of 4 stars; one submission).

gnomAD v4.1: 3 of 1,611,254 alleles (0.00019%); highest among the groups gnomAD compares: African/African-American, 0.004%; no homozygotes.

Submission:

GeneDx
Classification: Uncertain significance. Last evaluated: 2024-02-16. Review status: criteria provided, single submitter. Criteria: GeneDx Variant Classification Process June 2021. Collection method: clinical testing. Allele origin: germline. Affected: yes.
Comment: Not observed at significant frequency in large population cohorts (gnomAD); In silico analysis supports that this missense variant does not alter protein structure/function; Has not been previously published as pathogenic or benign to our knowledge

NM_018245.3(OGDHL):c.2855A>T (p.Tyr952Phe)

Gene: OGDHL (oxoglutarate dehydrogenase L; minus strand). Cytogenetic location: 10q11.23.
Variant type: single nucleotide variant.
Coding change: c.2855A>T on transcript NM_018245.3 (MANE Select); coding-DNA position 2855, A replaced by T.
Protein change: p.Tyr952Phe; replaces tyrosine 952 with phenylalanine.
Molecular consequence: missense variant. On other transcripts: non-coding transcript variant (5).
Genome position (GRCh38, 1-based): chr10:49,736,077, T>A on the plus strand (A>T on the coding strand, the complement: OGDHL is on the minus strand). VCF-style: chr10-49736077-T-A. GRCh37 (hg19) VCF-style: chr10-50944123-T-A.
Other names: c.2684A>T, p.Tyr895Phe (NM_001143996.2, NM_001347820.1); c.2228A>T, p.Tyr743Phe (NM_001143997.2, NM_001347821.2, NM_001347822.1); c.2855A>T, p.Tyr952Phe (NM_001347819.1); c.2675A>T, p.Tyr892Phe (NM_001347823.1, NM_001347824.2); c.2048A>T, p.Tyr683Phe (NM_001347825.2); c.1658A>T, p.Tyr553Phe (NM_001347826.1); short protein forms Y553F, Y683F, Y743F, Y892F, Y895F, Y952F.
Identifiers: ClinVar variation 3369085 (VCV003369085.1).